The following is an entry in ClinVar:

NM_031471.6(FERMT3):c.1375G>A (p.Asp459Asn)

Gene: FERMT3 (FERM domain containing kindlin 3; plus strand). Cytogenetic location: 11q13.1.
Variant type: single nucleotide variant.
Coding change: c.1375G>A on transcript NM_031471.6 (MANE Select); coding-DNA position 1375, G replaced by A.
Protein change: p.Asp459Asn; replaces aspartic acid 459 with asparagine.
Molecular consequence: missense variant.
Genome position (GRCh38, 1-based): chr11:64,220,499, G>A. VCF-style: chr11-64220499-G-A. GRCh37 (hg19) VCF-style: chr11-63987971-G-A.
Other names: c.1375G>A, p.Asp459Asn (NM_001382361.1, NM_001382448.1); c.1387G>A, p.Asp463Asn (NM_001382362.1, NM_178443.3); c.835G>A, p.Asp279Asn (NM_001382363.1); c.847G>A, p.Asp283Asn (NM_001382364.1); c.1375G>A (NM_031471.5); short protein forms D279N, D283N, D459N, D463N.
Identifiers: ClinVar variation 1051516 (VCV001051516.8), dbSNP rs374091426, ClinGen allele CA6069147.
Genomic context (GRCh38, chr11:64,220,499, plus strand): 5'-CAGCAGTATGCCCGCTGGATGGCTGGCTGCCGCCTGGCCTCCAAAGGCCGCACCATGGCC[G>A]ACAGCAGCTACACCAGCGAGGTGCAGGCCATCCTGGCCTTCCTCAGCCTGCAGCGCACGG-3'
Protein context (NP_113659.3, residues 449-469): RLASKGRTMA[Asp459Asn]SSYTSEVQAI

ClinVar aggregate classification (germline): Uncertain significance. Review status: criteria provided, multiple submitters, no conflicts (2 of 4 stars). 2 submissions from 2 submitters: Uncertain significance (2). Last evaluated 2025-06-30.

Conditions:
Leukocyte adhesion deficiency 3. Also called: Leukocyte adhesion deficiency, type III; INTEGRIN ACTIVATION DEFICIENCY DISEASE; LEUKOCYTE ADHESION DEFICIENCY 1 VARIANT. Identifiers: Orphanet 2968, Orphanet 99844, MedGen C2748536, MONDO:0013016, OMIM 612840.
FERMT3-related disorder. Also called: FERMT3-related condition.

Allele frequency attached by ClinVar (database versions not stated): TOPMed 0.00003; gnomAD exomes 0.00004 and 0.00008; gnomAD 0.00005 and 0.00007; ExAC 0.00008; ESP Exome Variant Server 0.00008; 1000 Genomes Project 30x 0.00031; 1000 Genomes Project 0.00040.
gnomAD v4.1: 127 of 1,608,342 alleles (0.0079%); highest among the groups gnomAD compares: South Asian, 0.013%; 2 homozygotes.

Submissions (2):

Labcorp Genetics (formerly Invitae), Labcorp
Classification: Uncertain significance for Leukocyte adhesion deficiency 3. Last evaluated: 2025-06-30. Review status: criteria provided, single submitter. Criteria: Invitae Variant Classification Sherloc (09022015). Collection method: clinical testing. Allele origin: germline.
Comment: This sequence change replaces aspartic acid, which is acidic and polar, with asparagine, which is neutral and polar, at codon 459 of the FERMT3 protein (p.Asp459Asn). This variant is present in population databases (rs374091426, gnomAD 0.02%), including at least one homozygous and/or hemizygous individual. This variant has not been reported in the literature in individuals affected with FERMT3-related conditions. ClinVar contains an entry for this variant (Variation ID: 1051516). Invitae Evidence Modeling of protein sequence and biophysical properties (such as structural, functional, and spatial information, amino acid conservation, physicochemical variation, residue mobility, and thermodynamic stability) has been performed for this missense variant. However, the output from this modeling did not meet the statistical confidence thresholds required to predict the impact of this variant on FERMT3 protein function. In summary, the available evidence is currently insufficient to determine the role of this variant in disease. Therefore, it has been classified as a Variant of Uncertain Significance.

PreventionGenetics, part of Exact Sciences
Classification: Uncertain significance for FERMT3-related condition. Last evaluated: 2025-05-01. Review status: criteria provided, single submitter. Criteria: ACMG Guidelines, 2015. Collection method: clinical testing. Allele origin: germline.
Comment: The FERMT3 c.1375G>A variant is predicted to result in the amino acid substitution p.Asp459Asn. To our knowledge, this variant has not been reported in the literature. This variant is reported in 0.017% of alleles in individuals of South Asian descent in gnomAD. At this time, the clinical significance of this variant is uncertain due to the absence of conclusive functional and genetic evidence.